The following is an entry in ClinVar:

NM_006031.6(PCNT):c.2566G>A (p.Val856Met)

Gene: PCNT (pericentrin; plus strand). Cytogenetic location: 21q22.3.
Variant type: single nucleotide variant.
Coding change: c.2566G>A on transcript NM_006031.6 (MANE Select); coding-DNA position 2566, G replaced by A.
Protein change: p.Val856Met; replaces valine 856 with methionine.
Molecular consequence: missense variant.
Genome position (GRCh38, 1-based): chr21:46,363,891, G>A. VCF-style: chr21-46363891-G-A. GRCh37 (hg19) VCF-style: chr21-47783806-G-A.
Other names: c.2212G>A, p.Val738Met (NM_001315529.2); short protein forms V856M, V738M.
Identifiers: ClinVar variation 708156 (VCV000708156.12), dbSNP rs143023746, ClinGen allele CA10079016.
Genomic context (GRCh38, chr21:46,363,891, plus strand): 5'-TGCAGCCAGTGTGGGCGGGAGCCGCCCACAGCCCAGGACGGGGAGCTTGCTGCGCTCCAC[G>A]TGAAGGAAGACTGCGCCCTGCAGCTGATGCTGGCCCGGAGCAGGTGGGTTTGCAGTGACG-3'
Protein context (NP_006022.3, residues 846-866): AQDGELAALH[Val856Met]KEDCALQLML

ClinVar aggregate classification (germline): Benign/Likely benign. Review status: criteria provided, multiple submitters, no conflicts (2 of 4 stars). 3 submissions from 3 submitters: Benign (1); Likely benign (1). 1 of the submissions does not count toward it. Last evaluated 2026-01-08.

Conditions:
PCNT-related disorder. Also called: PCNT-related condition.

Allele frequency attached by ClinVar (database versions not stated): gnomAD 0.00020; ESP Exome Variant Server 0.00023; TOPMed 0.00043.
gnomAD v4.1: 216 of 1,611,828 alleles (0.013%); highest among the groups gnomAD compares: Admixed American, 0.31%; 1 homozygote.

Submissions (3):

Labcorp Genetics (formerly Invitae), Labcorp
Classification: Benign. Last evaluated: 2026-01-08. Review status: criteria provided, single submitter. Criteria: Invitae Variant Classification Sherloc (09022015). Collection method: clinical testing. Allele origin: germline.

Blueprint Genetics
Classification: Likely benign. Last evaluated: 2022-05-25. Review status: criteria provided, single submitter. Criteria: ACMG Guidelines, 2015. Collection method: clinical testing. Allele origin: germline.

PreventionGenetics, part of Exact Sciences
Classification: Likely benign for PCNT-related condition. Last evaluated: 2021-06-11. Review status: no assertion criteria provided. Collection method: clinical testing. Allele origin: germline. Not counted in ClinVar's aggregate classification.
Comment: This variant is classified as likely benign based on ACMG/AMP sequence variant interpretation guidelines (Richards et al. 2015 PMID: 25741868, with internal and published modifications).